The following is an entry in ClinVar:

NM_001048174.2(MUTYH):c.350T>C (p.Val117Ala)

Gene: MUTYH (mutY DNA glycosylase; minus strand). Cytogenetic location: 1p34.1.
Variant type: single nucleotide variant.
Coding change: c.350T>C on transcript NM_001048174.2 (MANE Select); coding-DNA position 350, T replaced by C.
Protein change: p.Val117Ala; replaces valine 117 with alanine.
Molecular consequence: missense variant. On other transcripts: non-coding transcript variant (1), intron variant (2).
Genome position (GRCh38, 1-based): chr1:45,333,125, A>G on the plus strand (T>C on the coding strand, the complement: MUTYH is on the minus strand). VCF-style: chr1-45333125-A-G. GRCh37 (hg19) VCF-style: chr1-45798797-A-G.
Other names: c.350T>C, p.Val117Ala (NM_001048171.2, NM_001048173.2, NM_001293195.2 and 6 more transcripts); c.353T>C, p.Val118Ala (NM_001048172.2, NM_001407071.1, NM_001407078.1 and 2 more transcripts); c.434T>C, p.Val145Ala (NM_001128425.2); c.395T>C, p.Val132Ala (NM_001293190.2); c.383T>C, p.Val128Ala (NM_001293191.2, NM_001407077.1); c.74T>C, p.Val25Ala (NM_001293192.2, NM_001293196.2, NM_001407091.1); c.425T>C, p.Val142Ala (NM_001407069.1, NM_012222.3); c.392T>C, p.Val131Ala (NM_001407073.1, NM_001407083.1, NM_001407085.1); and 3 more; short protein forms V118A, V128A, V25A, V117A, V124A, V132A, V142A, V131A.
Identifiers: ClinVar variation 1739929 (VCV001739929.2), dbSNP rs2524221539, ClinGen allele CA340136124.

ClinVar aggregate classification (germline): Uncertain significance (1 of 4 stars; one submission).

Conditions:
Hereditary cancer-predisposing syndrome. Also called: Hereditary Cancer Syndrome; Hereditary neoplastic syndrome; Neoplastic Syndromes, Hereditary; Tumor predisposition. Identifiers: Orphanet 140162, MedGen C0027672, MeSH D009386, MONDO:0015356.

Submission:

Ambry Genetics
Classification: Uncertain significance for Hereditary cancer-predisposing syndrome. Last evaluated: 2020-02-27. Review status: criteria provided, single submitter. Criteria: Ambry Variant Classification Scheme 2023. Collection method: clinical testing. Allele origin: germline.
Comment: The p.V145A variant (also known as c.434T>C), located in coding exon 5 of the MUTYH gene, results from a T to C substitution at nucleotide position 434. The valine at codon 145 is replaced by alanine, an amino acid with similar properties. This amino acid position is highly conserved in available vertebrate species. In addition, this alteration is predicted to be deleterious by in silico analysis. Since supporting evidence is limited at this time, the clinical significance of this alteration remains unclear.